The following is an entry in ClinVar:

NM_000548.5(TSC2):c.727C>T (p.Leu243Phe)

Gene: TSC2 (TSC complex subunit 2; plus strand). Cytogenetic location: 16p13.3.
Variant type: single nucleotide variant.
Coding change: c.727C>T on transcript NM_000548.5 (MANE Select); coding-DNA position 727, C replaced by T.
Protein change: p.Leu243Phe; replaces leucine 243 with phenylalanine.
Molecular consequence: missense variant.
Genome position (GRCh38, 1-based): chr16:2,056,722, C>T. VCF-style: chr16-2056722-C-T. GRCh37 (hg19) VCF-style: chr16-2106723-C-T.
Other names: p.L243F:CTC>TTC; c.727C>T, p.Leu243Phe (NM_001370405.1, NM_021055.3, NM_001077183.3 and 3 more transcripts); c.616C>T, p.Leu206Phe (NM_001318827.2); c.580C>T, p.Leu194Phe (NM_001318829.2); c.127C>T, p.Leu43Phe (NM_001318831.2); c.760C>T, p.Leu254Phe (NM_001318832.2); short protein forms L243F, L206F, L43F, L194F, L254F.
Identifiers: ClinVar variation 207770 (VCV000207770.4), dbSNP rs796053502, ClinGen allele CA319567.
Genomic context (GRCh38, chr16:2,056,722, plus strand): 5'-GACGCCGTGGTCTGCTACAACTGCCTGCCGGCTGAGAGCCTCCCGCTGTTCATCGTTACC[C>T]TCTGTCGCACCATCAACGTCAAGGAGCTCTGCGAGCCTTGCTGGAAGGTGGGGTTTCTGA-3'
Protein context (NP_000539.2, residues 233-253): AESLPLFIVT[Leu243Phe]CRTINVKELC

ClinVar aggregate classification (germline): Uncertain significance. Review status: criteria provided, multiple submitters, no conflicts (2 of 4 stars). 3 submissions from 3 submitters: Uncertain significance (3). Last evaluated 2025-11-04.

Conditions:
Hereditary cancer-predisposing syndrome. Also called: Neoplastic Syndromes, Hereditary; Hereditary Cancer Syndrome; Tumor predisposition; Hereditary neoplastic syndrome. Identifiers: Orphanet 140162, MedGen C0027672, MeSH D009386, MONDO:0015356.
Tuberous sclerosis 2 (TSC2). Identifiers: Orphanet 805, MedGen C1860707, MONDO:0013199, OMIM 613254.

Submissions (3):

Ambry Genetics
Classification: Uncertain significance for Hereditary cancer-predisposing syndrome. Last evaluated: 2025-11-04. Review status: criteria provided, single submitter. Criteria: Ambry Variant Classification Scheme 2023. Collection method: clinical testing. Allele origin: germline.
Comment: The p.L243F variant (also known as c.727C>T), located in coding exon 7 of the TSC2 gene, results from a C to T substitution at nucleotide position 727. The leucine at codon 243 is replaced by phenylalanine, an amino acid with highly similar properties. This amino acid position is highly conserved in available vertebrate species. In addition, this alteration is predicted to be deleterious by in silico analysis. Based on the available evidence, the clinical significance of this variant remains unclear.

Labcorp Genetics (formerly Invitae), Labcorp
Classification: Uncertain significance for Tuberous sclerosis 2. Last evaluated: 2025-10-26. Review status: criteria provided, single submitter. Criteria: Invitae Variant Classification Sherloc (09022015). Collection method: clinical testing. Allele origin: germline.
Comment: This sequence change replaces leucine, which is neutral and non-polar, with phenylalanine, which is neutral and non-polar, at codon 243 of the TSC2 protein (p.Leu243Phe). This variant is not present in population databases (gnomAD no frequency). This variant has not been reported in the literature in individuals affected with TSC2-related conditions. ClinVar contains an entry for this variant (Variation ID: 207770). Invitae Evidence Modeling of protein sequence and biophysical properties (such as structural, functional, and spatial information, amino acid conservation, physicochemical variation, residue mobility, and thermodynamic stability) indicates that this missense variant is not expected to disrupt TSC2 protein function with a negative predictive value of 95%. In summary, the available evidence is currently insufficient to determine the role of this variant in disease. Therefore, it has been classified as a Variant of Uncertain Significance.

GeneDx
Classification: Uncertain significance. Last evaluated: 2014-06-30. Review status: criteria provided, single submitter. Criteria: GeneDx Variant Classification (06012015). Collection method: clinical testing. Allele origin: germline. Affected: yes.
Comment: p.Leu243Phe (CTC>TTC): c.727 C>T in exon 8 of the TSC2 gene (NM_000548.3)A variant of unknown significance has been identified in the TSC2 gene. The L243F variant has not been published as a mutation, nor has it been reported as a benign polymorphism to our knowledge. It was not observed in approximately 6,500 individuals of European and African American ancestry in the NHLBI Exome Sequencing Project, indicating it is not a common benign variant in these populations. This substitution occurs at a position that is conserved across species, and multiple missense mutations in nearby residues have been reported in association with tuberous sclerosis complex (an external gene datebase), supporting the functional importance of this region of the protein. Additionally, in silico analysis predicts this variant is probably damaging to the protein structure/function. However, the L243F variant is a conservative amino acid substitution, which is not likely to impact secondary protein structure as these residues share similar properties. Therefore, based on the currently available information, it is unclear whether this variant is a pathogenic mutation or a rare benign variant. The variant is found in INFANT-EPI panel(s).